The following is an entry in ClinVar:

ClinVar aggregate classification (germline): Pathogenic/Likely pathogenic. Review status: criteria provided, multiple submitters, no conflicts (2 of 4 stars). 2 submissions from 2 submitters: Pathogenic (1); Likely pathogenic (1). Last evaluated 2023-03-06.

Conditions:
Cobalamin C disease. Also called: Methylmalonic aciduria and homocystinuria, Vitamin B12-responsive; Vitamin B12 metabolic defect with combined deficiency of methylmalonyl-CoA mutase and homocysteine:methyltetrahydrofolate methyltransferase; Cobalamin-C methylmalonic acidemia and homocystinuria; Methylmalonic acidemia and homocystinuria cblC type; methylmalonic aciduria and homocystinuria type cblC; Methylmalonic aciduria with homocystinuria cblC type. Identifiers: Orphanet 26, Orphanet 79282, MedGen C1848561, MONDO:0010184, OMIM 277400.

Submissions (2):

Baylor Genetics
Classification: Likely pathogenic for Cobalamin C disease. Last evaluated: 2023-03-06. Review status: criteria provided, single submitter. Criteria: ACMG Guidelines, 2015. Collection method: clinical testing. Allele origin: unknown.

Labcorp Genetics (formerly Invitae), Labcorp
Classification: Pathogenic for Cobalamin C disease. Last evaluated: 2021-06-18. Review status: criteria provided, single submitter. Criteria: Invitae Variant Classification Sherloc (09022015). Collection method: clinical testing. Allele origin: germline.
Comment: This sequence change creates a premature translational stop signal (p.Ile169Argfs*12) in the MMACHC gene. While this is not anticipated to result in nonsense mediated decay, it is expected to disrupt the last 114 amino acid(s) of the MMACHC protein. This variant is not present in population databases (ExAC no frequency). This variant has not been reported in the literature in individuals with MMACHC-related conditions. This variant disrupts the C-terminus of the MMACHC protein. Other variant(s) that disrupt this region (p.Tyr222*) have been determined to be pathogenic (PMID: 16311595, 19767224, 30157807). This suggests that variants that disrupt this region of the protein are likely to be causative of disease. For these reasons, this variant has been classified as Pathogenic.

Literature cited by the submitters: PubMed 16311595 (cited by Labcorp Genetics (formerly Invitae), Labcorp); PubMed 19767224 (cited by Labcorp Genetics (formerly Invitae), Labcorp); PubMed 30157807 (cited by Labcorp Genetics (formerly Invitae), Labcorp).

NM_015506.3(MMACHC):c.506_507del (p.Ile169fs)

Gene: MMACHC (metabolism of cobalamin associated C; plus strand). Cytogenetic location: 1p34.1.
Variant type: Deletion.
Coding change: c.506_507del on transcript NM_015506.3 (MANE Select); coding-DNA positions 506 to 507, 2 bases deleted (TA; older notation c.506_507delTA).
Protein change: p.Ile169fs; shifts the reading frame from isoleucine 169.
Molecular consequence: frameshift variant.
Genome position (GRCh38, 1-based): chr1:45,508,872-45,508,873, TA deleted; deleting any 2 consecutive bases within chr1:45,508,871-45,508,873 gives the same sequence; the c. name uses the placement nearest the transcript's 3' end. VCF-style (leftmost placement, unchanged base first): chr1-45508870-GAT-G. GRCh37 (hg19) VCF-style: chr1-45974542-GAT-G.
Other names: c.335_336del, p.Ile112fs (NM_001330540.2); short protein forms I112fs, I169fs.
Identifiers: ClinVar variation 1452156 (VCV001452156.9), dbSNP rs2149323855, ClinGen allele CA2573132352.